The following is an entry in ClinVar:

ClinVar aggregate classification (germline): Likely pathogenic (1 of 4 stars; one submission).

Submission:

Labcorp Genetics (formerly Invitae), Labcorp
Classification: Likely pathogenic. Last evaluated: 2025-04-28. Review status: criteria provided, single submitter. Criteria: Invitae Variant Classification Sherloc (09022015). Collection method: clinical testing. Allele origin: germline.
Comment: This sequence change affects a donor splice site in intron 3 of the TCF3 gene. It is expected to disrupt RNA splicing. Variants that disrupt the donor or acceptor splice site typically lead to a loss of protein function (PMID: 16199547), and loss-of-function variants in TCF3 are known to be pathogenic (PMID: 24216514, 30063982, 37277074). This variant is not present in population databases (gnomAD no frequency). This variant has not been reported in the literature in individuals affected with TCF3-related conditions. Algorithms developed to predict the effect of sequence changes on RNA splicing suggest that this variant may disrupt the consensus splice site. In summary, the currently available evidence indicates that the variant is pathogenic, but additional data are needed to prove that conclusively. Therefore, this variant has been classified as Likely Pathogenic.

Literature cited by the submitters: PubMed 16199547; PubMed 24216514; PubMed 30063982; PubMed 37277074.

NM_003200.5(TCF3):c.145+1G>C

Gene: TCF3 (transcription factor 3; minus strand). Cytogenetic location: 19p13.3.
Variant type: single nucleotide variant.
Coding change: c.145+1G>C on transcript NM_003200.5 (MANE Select); the canonical splice donor site of the intron after coding-DNA position 145, G replaced by C.
Molecular consequence: splice donor variant.
Genome position (GRCh38, 1-based): chr19:1,646,354, C>G on the plus strand (G>C on the coding strand, the complement: TCF3 is on the minus strand). VCF-style: chr19-1646354-C-G. GRCh37 (hg19) VCF-style: chr19-1646353-C-G.
Other names: c.145+1G>C (NM_001351778.2, NM_001136139.4, NM_001351779.2).
Identifiers: ClinVar variation 4770831 (VCV004770831.1).
Genomic context (GRCh38, chr19:1,646,354, plus strand): 5'-GTCTTCAACAGACCCTTGATCTCCTCACTCCACGAGCGCTGGCAGGAAGGCGGGGTCCTA[C>G]CTGAACCTCCGAACTGCGCCCCGGCCAGGGAGGCGGGCCGGCCCTTCCCGTTGGTGACAG-3'